The following is an entry in ClinVar:

NM_017570.5(OPLAH):c.928G>C (p.Val310Leu)

Gene: OPLAH (5-oxoprolinase, ATP-hydrolysing; minus strand). Cytogenetic location: 8q24.3.
Variant type: single nucleotide variant.
Coding change: c.928G>C on transcript NM_017570.5 (MANE Select); coding-DNA position 928, G replaced by C.
Protein change: p.Val310Leu; replaces valine 310 with leucine.
Molecular consequence: missense variant.
Genome position (GRCh38, 1-based): chr8:144,058,260, C>G on the plus strand (G>C on the coding strand, the complement: OPLAH is on the minus strand). VCF-style: chr8-144058260-C-G. GRCh37 (hg19) VCF-style: chr8-145113163-C-G.
Other names: short protein forms V310L.
Identifiers: ClinVar variation 1345135 (VCV001345135.6), dbSNP rs782711808, ClinGen allele CA372568822.

ClinVar aggregate classification (germline): Uncertain significance (1 of 4 stars; one submission).

Conditions:
5-Oxoprolinase deficiency (OPLAHD). Also called: 5-OXOPROLINURIA DUE TO 5-OXOPROLINASE DEFICIENCY. Identifiers: Orphanet 33572, MedGen C0268525, MONDO:0009825, OMIM 260005, HP:0040142.

Allele frequency attached by ClinVar (database versions not stated): TOPMed 0.00001; gnomAD 0.00004.
gnomAD v4.1: 11 of 1,610,586 alleles (0.00068%); highest among the groups gnomAD compares: East Asian, 0.018%; 1 homozygote.

Submission:

Labcorp Genetics (formerly Invitae), Labcorp
Classification: Uncertain significance for 5-Oxoprolinase deficiency. Last evaluated: 2025-04-02. Review status: criteria provided, single submitter. Criteria: Invitae Variant Classification Sherloc (09022015). Collection method: clinical testing. Allele origin: germline.
Comment: This sequence change replaces valine, which is neutral and non-polar, with leucine, which is neutral and non-polar, at codon 310 of the OPLAH protein (p.Val310Leu). This variant is present in population databases (no rsID available, gnomAD 0.006%). This variant has not been reported in the literature in individuals affected with OPLAH-related conditions. ClinVar contains an entry for this variant (Variation ID: 1345135). Experimental studies and prediction algorithms are not available or were not evaluated, and the functional significance of this variant is currently unknown. In summary, the available evidence is currently insufficient to determine the role of this variant in disease. Therefore, it has been classified as a Variant of Uncertain Significance.